The following is an entry in ClinVar:

ClinVar aggregate classification (germline): Pathogenic. Review status: criteria provided, multiple submitters, no conflicts (2 of 4 stars). 2 submissions from 2 submitters: Pathogenic (2). Last evaluated 2024-11-04.

Conditions:
Neurofibromatosis, type 1 (NF1). Also called: VON RECKLINGHAUSEN DISEASE; NEUROFIBROMATOSIS, TYPE I, SOMATIC; Neurofibromatosis, type I; Peripheral type neurofibromatosis. Identifiers: Orphanet 636, MedGen C0027831, MONDO:0018975, OMIM 162200. Disease mechanism: loss of function.
Cardiovascular phenotype. Identifiers: MedGen CN230736.
Hereditary cancer-predisposing syndrome. Also called: Neoplastic Syndromes, Hereditary; Tumor predisposition; Hereditary Cancer Syndrome; Hereditary neoplastic syndrome. Identifiers: Orphanet 140162, MedGen C0027672, MeSH D009386, MONDO:0015356.

Submissions (2):

Labcorp Genetics (formerly Invitae), Labcorp
Classification: Pathogenic for Neurofibromatosis, type 1. Last evaluated: 2024-11-04. Review status: criteria provided, single submitter. Criteria: Invitae Variant Classification Sherloc (09022015). Collection method: clinical testing. Allele origin: germline.
Comment: This sequence change creates a premature translational stop signal (p.Leu1095*) in the NF1 gene. It is expected to result in an absent or disrupted protein product. Loss-of-function variants in NF1 are known to be pathogenic (PMID: 10712197, 23913538). This variant is not present in population databases (gnomAD no frequency). This variant has not been reported in the literature in individuals affected with NF1-related conditions. ClinVar contains an entry for this variant (Variation ID: 1729778). For these reasons, this variant has been classified as Pathogenic.

Ambry Genetics
Classification: Pathogenic for Cardiovascular phenotype; Hereditary cancer-predisposing syndrome. Last evaluated: 2020-02-07. Review status: criteria provided, single submitter. Criteria: Ambry Variant Classification Scheme 2023. Collection method: clinical testing. Allele origin: germline.
Comment: The p.L1095* pathogenic mutation (also known as c.3284T>A), located in coding exon 25 of the NF1 gene, results from a T to A substitution at nucleotide position 3284. This changes the amino acid from a leucine to a stop codon within coding exon 25. This alteration is expected to result in loss of function by premature protein truncation or nonsense-mediated mRNA decay. As such, this alteration is interpreted as a disease-causing mutation.

Literature cited by the submitters: PubMed 10712197 (cited by Labcorp Genetics (formerly Invitae), Labcorp); PubMed 23913538 (cited by Labcorp Genetics (formerly Invitae), Labcorp).

NM_001042492.3(NF1):c.3284T>A (p.Leu1095Ter)

Gene: NF1 (neurofibromin 1; plus strand). Cytogenetic location: 17q11.2.
Variant type: single nucleotide variant.
Coding change: c.3284T>A on transcript NM_001042492.3 (MANE Select); coding-DNA position 3284, T replaced by A.
Protein change: p.Leu1095Ter; replaces leucine 1095 with a stop codon.
Molecular consequence: nonsense.
Genome position (GRCh38, 1-based): chr17:31,232,159, T>A. VCF-style: chr17-31232159-T-A. GRCh37 (hg19) VCF-style: chr17-29559177-T-A.
Other names: c.3284T>A, p.Leu1095Ter (NM_000267.4); short protein forms L1095*.
Identifiers: ClinVar variation 1729778 (VCV001729778.4), dbSNP rs2151433853, ClinGen allele CA398988872.